The following is an entry in ClinVar:

ClinVar aggregate classification (germline): Uncertain significance (1 of 4 stars; one submission).

Conditions:
Long QT syndrome 10 (LQT10). Identifiers: Orphanet 101016, Orphanet 768, MedGen C2678484, MONDO:0012737, OMIM 611819.

Submission:

Labcorp Genetics (formerly Invitae), Labcorp
Classification: Uncertain significance for Long QT syndrome 10. Last evaluated: 2024-02-20. Review status: criteria provided, single submitter. Criteria: Invitae Variant Classification Sherloc (09022015). Collection method: clinical testing. Allele origin: germline.
Comment: This sequence change replaces asparagine, which is neutral and polar, with aspartic acid, which is acidic and polar, at codon 112 of the SCN4B protein (p.Asn112Asp). This variant is not present in population databases (gnomAD no frequency). This variant has not been reported in the literature in individuals affected with SCN4B-related conditions. An algorithm developed to predict the effect of missense changes on protein structure and function (PolyPhen-2) suggests that this variant is likely to be disruptive. In summary, the available evidence is currently insufficient to determine the role of this variant in disease. Therefore, it has been classified as a Variant of Uncertain Significance.

NM_174934.4(SCN4B):c.334A>G (p.Asn112Asp)

Genes: SCN4B (sodium voltage-gated channel beta subunit 4; minus strand), LOC126861356 (BRD4-independent group 4 enhancer GRCh37_chr11:118014519-118015718; plus strand). Cytogenetic location: 11q23.3.
Variant type: single nucleotide variant.
Coding change: c.334A>G on transcript NM_174934.4 (MANE Select); coding-DNA position 334, A replaced by G.
Protein change: p.Asn112Asp; replaces asparagine 112 with aspartic acid.
Molecular consequence: missense variant. On other transcripts: intron variant (1).
Genome position (GRCh38, 1-based): chr11:118,143,962, T>C on the plus strand (A>G on the coding strand, the complement: SCN4B is on the minus strand). VCF-style: chr11-118143962-T-C. GRCh37 (hg19) VCF-style: chr11-118014677-T-C.
Other names: c.4A>G, p.Asn2Asp (NM_001142349.2); c.62-2626A>G (NM_001142348.2); short protein forms N2D, N112D.
Identifiers: ClinVar variation 4738963 (VCV004738963.1).